The following is an entry in ClinVar:

NM_001023570.4(IQCB1):c.895T>A (p.Cys299Ser)

Gene: IQCB1 (IQ motif containing B1; minus strand). Cytogenetic location: 3q13.33.
Variant type: single nucleotide variant.
Coding change: c.895T>A on transcript NM_001023570.4 (MANE Select); coding-DNA position 895, T replaced by A.
Protein change: p.Cys299Ser; replaces cysteine 299 with serine.
Molecular consequence: missense variant. On other transcripts: intron variant (1).
Genome position (GRCh38, 1-based): chr3:121,795,548, A>T on the plus strand (T>A on the coding strand, the complement: IQCB1 is on the minus strand). VCF-style: chr3-121795548-A-T. GRCh37 (hg19) VCF-style: chr3-121514395-A-T.
Other names: c.895T>A, p.Cys299Ser (NM_001319107.2); c.588-5333T>A (NM_001023571.4); c.895T>A (NM_001023570.2); short protein forms C299S.
Identifiers: ClinVar variation 1513213 (VCV001513213.4), dbSNP rs1949147133, ClinGen allele CA354119680.
Genomic context (GRCh38, chr3:121,795,548, plus strand): 5'-ATGGAAGCTTCTTTAATCTCTTTCTTGTCTGAAAACCCTTCCAATAGGCTTGAATCAAGC[A>T]TGCTGCTTGATGTAGTTTCTGAAATGCCGAAAATAATTTAGAGATATCTCTAGGAAGGTC-3'
Protein context (NP_001018864.2, residues 289-309): VEEQKLHQAA[Cys299Ser]LIQAYWKGFQ

ClinVar aggregate classification (germline): Uncertain significance. Review status: criteria provided, multiple submitters, no conflicts (2 of 4 stars). 2 submissions from 2 submitters: Uncertain significance (2). Last evaluated 2025-08-11.

Conditions:
Nephronophthisis. Also called: Juvenile Nephronophthisis. Identifiers: Orphanet 655, MedGen C0687120, MONDO:0019005, HP:0000090.

Submissions (2):

GeneDx
Classification: Uncertain significance. Last evaluated: 2025-08-11. Review status: criteria provided, single submitter. Criteria: GeneDx Variant Classification Process June 2021. Collection method: clinical testing. Allele origin: germline. Affected: yes.
Comment: Not observed at significant frequency in large population cohorts (gnomAD); In silico analysis supports that this missense variant has a deleterious effect on protein structure/function; Has not been previously published as pathogenic or benign to our knowledge

Labcorp Genetics (formerly Invitae), Labcorp
Classification: Uncertain significance for Nephronophthisis. Last evaluated: 2021-08-16. Review status: criteria provided, single submitter. Criteria: Invitae Variant Classification Sherloc (09022015). Collection method: clinical testing. Allele origin: germline.
Comment: This sequence change replaces cysteine with serine at codon 299 of the IQCB1 protein (p.Cys299Ser). The cysteine residue is highly conserved and there is a moderate physicochemical difference between cysteine and serine. This variant is not present in population databases (ExAC no frequency). This variant has not been reported in the literature in individuals affected with IQCB1-related conditions. Algorithms developed to predict the effect of missense changes on protein structure and function are either unavailable or do not agree on the potential impact of this missense change (SIFT: "Deleterious"; PolyPhen-2: "Benign"; Align-GVGD: "Class C0"). In summary, the available evidence is currently insufficient to determine the role of this variant in disease. Therefore, it has been classified as a Variant of Uncertain Significance.